The following is an entry in ClinVar:

NM_001621.5(AHR):c.1924A>G (p.Met642Val)

Gene: AHR (aryl hydrocarbon receptor; plus strand). Cytogenetic location: 7p21.1.
Variant type: single nucleotide variant.
Coding change: c.1924A>G on transcript NM_001621.5 (MANE Select); coding-DNA position 1924, A replaced by G.
Protein change: p.Met642Val; replaces methionine 642 with valine.
Molecular consequence: missense variant.
Genome position (GRCh38, 1-based): chr7:17,339,749, A>G. VCF-style: chr7-17339749-A-G. GRCh37 (hg19) VCF-style: chr7-17379373-A-G.
Other names: short protein forms M642V.
Identifiers: ClinVar variation 1009452 (VCV001009452.8), dbSNP rs1782398403, ClinGen allele CA366895505.

ClinVar aggregate classification (germline): Uncertain significance (1 of 4 stars; one submission).

Allele frequency attached by ClinVar (database versions not stated): gnomAD exomes below 0.00001.
gnomAD v4.1: 2 of 1,614,204 alleles (0.00012%); highest among the groups gnomAD compares: African/African-American, 0.0027%; no homozygotes.

Submission:

Labcorp Genetics (formerly Invitae), Labcorp
Classification: Uncertain significance. Last evaluated: 2023-10-03. Review status: criteria provided, single submitter. Criteria: Invitae Variant Classification Sherloc (09022015). Collection method: clinical testing. Allele origin: germline.
Comment: This sequence change replaces methionine, which is neutral and non-polar, with valine, which is neutral and non-polar, at codon 642 of the AHR protein (p.Met642Val). This variant is not present in population databases (gnomAD no frequency). This variant has not been reported in the literature in individuals affected with AHR-related conditions. ClinVar contains an entry for this variant (Variation ID: 1009452). An algorithm developed to predict the effect of missense changes on protein structure and function (PolyPhen-2) suggests that this variant is likely to be tolerated. In summary, the available evidence is currently insufficient to determine the role of this variant in disease. Therefore, it has been classified as a Variant of Uncertain Significance.